The following is an entry in ClinVar:

NM_005560.6(LAMA5):c.8832C>T (p.Ser2944=)

Gene: LAMA5 (laminin subunit alpha 5; minus strand). Cytogenetic location: 20q13.33.
Variant type: single nucleotide variant.
Coding change: c.8832C>T on transcript NM_005560.6 (MANE Select); coding-DNA position 8832, C replaced by T.
Protein change: p.Ser2944=; no amino-acid change (serine 2944 retained).
Molecular consequence: synonymous variant.
Genome position (GRCh38, 1-based): chr20:62,313,211, G>A on the plus strand (C>T on the coding strand, the complement: LAMA5 is on the minus strand). VCF-style: chr20-62313211-G-A. GRCh37 (hg19) VCF-style: chr20-60888267-G-A.
Identifiers: ClinVar variation 715270 (VCV000715270.33), dbSNP rs142296998, ClinGen allele CA9940538.

ClinVar aggregate classification (germline): Benign/Likely benign. Review status: criteria provided, multiple submitters, no conflicts (2 of 4 stars). 2 submissions from 2 submitters: Benign (1); Likely benign (1). Last evaluated 2026-07-01.

Allele frequency attached by ClinVar (database versions not stated): 1000 Genomes Project 30x 0.00234; 1000 Genomes Project 0.00280; ESP Exome Variant Server 0.00359; TOPMed 0.00432; gnomAD exomes 0.00539 and 0.00643; ExAC 0.00592; gnomAD 0.00593 and 0.00613.
gnomAD v4.1: 9,887 of 1,554,224 alleles (0.64%); highest among the groups gnomAD compares: Non-Finnish European, 0.67%; 48 homozygotes.

Submissions (2):

CeGaT Center for Human Genetics Tuebingen
Classification: Likely benign. Last evaluated: 2026-07-01. Review status: criteria provided, single submitter. Criteria: CeGaT Center For Human Genetics Tuebingen Variant Classification Criteria Version 2. Collection method: clinical testing. Allele origin: germline. Affected: yes. Observed: 4 variant alleles.
Comment: LAMA5: BP4, BP7, BS2

Labcorp Genetics (formerly Invitae), Labcorp
Classification: Benign. Last evaluated: 2025-12-23. Review status: criteria provided, single submitter. Criteria: Invitae Variant Classification Sherloc (09022015). Collection method: clinical testing. Allele origin: germline.